The following is an entry in ClinVar:

NM_053044.5(HTRA3):c.805G>A (p.Val269Met)

Gene: HTRA3 (HtrA serine peptidase 3; plus strand). Cytogenetic location: 4p16.1.
Variant type: single nucleotide variant.
Coding change: c.805G>A on transcript NM_053044.5 (MANE Select); coding-DNA position 805, G replaced by A.
Protein change: p.Val269Met; replaces valine 269 with methionine.
Molecular consequence: missense variant.
Genome position (GRCh38, 1-based): chr4:8,291,466, G>A. VCF-style: chr4-8291466-G-A. GRCh37 (hg19) VCF-style: chr4-8293193-G-A.
Other names: c.805G>A, p.Val269Met (NM_001297559.3); short protein forms V269M.
Identifiers: ClinVar variation 2654654 (VCV002654654.24), dbSNP rs111620813, ClinGen allele CA2850551.

ClinVar aggregate classification (germline): Benign (1 of 4 stars; one submission).

Allele frequency attached by ClinVar (database versions not stated): gnomAD 0.00816; ExAC 0.00823; ESP Exome Variant Server 0.00992; gnomAD exomes 0.00999; 1000 Genomes Project 30x 0.00437; 1000 Genomes Project 0.00439; TOPMed 0.00788.
gnomAD v4.1: 15,918 of 1,613,146 alleles (0.99%); highest among the groups gnomAD compares: Non-Finnish European, 1.1%; 132 homozygotes.

Submission:

CeGaT Center for Human Genetics Tuebingen
Classification: Benign. Last evaluated: 2022-11-01. Review status: criteria provided, single submitter. Criteria: CeGaT Center For Human Genetics Tuebingen Variant Classification Criteria Version 2. Collection method: clinical testing. Allele origin: germline. Affected: yes. Observed: 1 variant allele.
Comment: HTRA3: PP3, BS1, BS2